The following is an entry in ClinVar:

ClinVar aggregate classification (germline): Uncertain significance (1 of 4 stars; one submission).

Submission:

Labcorp Genetics (formerly Invitae), Labcorp
Classification: Uncertain significance. Last evaluated: 2025-05-21. Review status: criteria provided, single submitter. Criteria: Invitae Variant Classification Sherloc (09022015). Collection method: clinical testing. Allele origin: germline.
Comment: This sequence change replaces serine, which is neutral and polar, with threonine, which is neutral and polar, at codon 232 of the TAOK2 protein (p.Ser232Thr). This variant is not present in population databases (gnomAD no frequency). This variant has not been reported in the literature in individuals affected with TAOK2-related conditions. An algorithm developed to predict the effect of missense changes on protein structure and function (PolyPhen-2) suggests that this variant is likely to be disruptive. In summary, the available evidence is currently insufficient to determine the role of this variant in disease. Therefore, it has been classified as a Variant of Uncertain Significance.

NM_016151.4(TAOK2):c.695G>C (p.Ser232Thr)

Gene: TAOK2 (TAO kinase 2; plus strand). Cytogenetic location: 16p11.2.
Variant type: single nucleotide variant.
Coding change: c.695G>C on transcript NM_016151.4 (MANE Select); coding-DNA position 695, G replaced by C.
Protein change: p.Ser232Thr; replaces serine 232 with threonine.
Molecular consequence: missense variant.
Genome position (GRCh38, 1-based): chr16:29,981,700, G>C. VCF-style: chr16-29981700-G-C. GRCh37 (hg19) VCF-style: chr16-29993021-G-C.
Other names: c.695G>C, p.Ser232Thr (NM_001252043.2, NM_004783.4); short protein forms S232T.
Identifiers: ClinVar variation 4719965 (VCV004719965.1).